The following is an entry in ClinVar:

NM_002506.3(NGF):c.445G>T (p.Ala149Ser)

Genes: NGF (nerve growth factor; minus strand), NGF-AS1 (NGF antisense RNA 1; plus strand). Cytogenetic location: 1p13.2.
Variant type: single nucleotide variant.
Coding change: c.445G>T on transcript NM_002506.3 (MANE Select); coding-DNA position 445, G replaced by T.
Protein change: p.Ala149Ser; replaces alanine 149 with serine.
Molecular consequence: missense variant.
Genome position (GRCh38, 1-based): chr1:115,286,351, C>A on the plus strand (G>T on the coding strand, the complement: NGF is on the minus strand). VCF-style: chr1-115286351-C-A. GRCh37 (hg19) VCF-style: chr1-115828972-C-A.
Other names: short protein forms A149S.
Identifiers: ClinVar variation 1388698 (VCV001388698.3), dbSNP rs149823633, ClinGen allele CA341836539.

ClinVar aggregate classification (germline): Uncertain significance (1 of 4 stars; one submission).

Conditions:
Congenital sensory neuropathy with selective loss of small myelinated fibers (HSAN5). Also called: HSAN Type V. Identifiers: Orphanet 64752, MedGen C0020075, MONDO:0012092, OMIM 608654.

gnomAD v4.1: 1 of 1,614,140 alleles (0.000062%); highest among the groups gnomAD compares: Non-Finnish European, 0.000085%; no homozygotes.

Submission:

Labcorp Genetics (formerly Invitae), Labcorp
Classification: Uncertain significance for Congenital sensory neuropathy with selective loss of small myelinated fibers. Last evaluated: 2022-09-01. Review status: criteria provided, single submitter. Criteria: Invitae Variant Classification Sherloc (09022015). Collection method: clinical testing. Allele origin: germline.
Comment: This sequence change replaces alanine, which is neutral and non-polar, with serine, which is neutral and polar, at codon 149 of the NGF protein (p.Ala149Ser). This variant is not present in population databases (gnomAD no frequency). This variant has not been reported in the literature in individuals affected with NGF-related conditions. ClinVar contains an entry for this variant (Variation ID: 1388698). Algorithms developed to predict the effect of missense changes on protein structure and function (SIFT, PolyPhen-2, Align-GVGD) all suggest that this variant is likely to be disruptive. In summary, the available evidence is currently insufficient to determine the role of this variant in disease. Therefore, it has been classified as a Variant of Uncertain Significance.